The following is an entry in ClinVar:

NM_002067.5(GNA11):c.914C>T (p.Ala305Val)

Gene: GNA11 (G protein subunit alpha 11; plus strand). Cytogenetic location: 19p13.3.
Variant type: single nucleotide variant.
Coding change: c.914C>T on transcript NM_002067.5 (MANE Select); coding-DNA position 914, C replaced by T.
Protein change: p.Ala305Val; replaces alanine 305 with valine.
Molecular consequence: missense variant.
Genome position (GRCh38, 1-based): chr19:3,121,013, C>T. VCF-style: chr19-3121013-C-T. GRCh37 (hg19) VCF-style: chr19-3121011-C-T.
Other names: short protein forms A305V.
Identifiers: ClinVar variation 3021501 (VCV003021501.3), dbSNP rs2145328824, ClinGen allele CA403312055.
Genomic context (GRCh38, chr19:3,121,013, plus strand): 5'-GGCTGGGGCACAGCCTCACCCTCTGCCCTCCCCCAGGTCCCCAGCGGGACGCCCAGGCGG[C>T]GCGGGAGTTCATCCTGAAGATGTTCGTGGACCTGAACCCCGACAGCGACAAGATCATCTA-3'
Protein context (NP_002058.2, residues 295-315): FDGPQRDAQA[Ala305Val]REFILKMFVD

ClinVar aggregate classification (germline): Uncertain significance (1 of 4 stars; one submission).

Allele frequency attached by ClinVar (database versions not stated): gnomAD exomes below 0.00001.
gnomAD v4.1: 3 of 1,613,256 alleles (0.00019%); highest among the groups gnomAD compares: African/African-American, 0.0013%; no homozygotes.

Submission:

Labcorp Genetics (formerly Invitae), Labcorp
Classification: Uncertain significance. Last evaluated: 2024-07-26. Review status: criteria provided, single submitter. Criteria: Invitae Variant Classification Sherloc (09022015). Collection method: clinical testing. Allele origin: germline.
Comment: This sequence change replaces alanine, which is neutral and non-polar, with valine, which is neutral and non-polar, at codon 305 of the GNA11 protein (p.Ala305Val). This variant is not present in population databases (gnomAD no frequency). This variant has not been reported in the literature in individuals affected with GNA11-related conditions. Advanced modeling of protein sequence and biophysical properties (such as structural, functional, and spatial information, amino acid conservation, physicochemical variation, residue mobility, and thermodynamic stability) performed at Invitae indicates that this missense variant is expected to disrupt GNA11 protein function with a positive predictive value of 80%. In summary, the available evidence is currently insufficient to determine the role of this variant in disease. Therefore, it has been classified as a Variant of Uncertain Significance.